The following is an entry in ClinVar:

NM_030665.4(RAI1):c.187G>A (p.Ala63Thr)

Gene: RAI1 (retinoic acid induced 1; plus strand). Cytogenetic location: 17p11.2.
Variant type: single nucleotide variant.
Coding change: c.187G>A on transcript NM_030665.4 (MANE Select); coding-DNA position 187, G replaced by A.
Protein change: p.Ala63Thr; replaces alanine 63 with threonine.
Molecular consequence: missense variant.
Genome position (GRCh38, 1-based): chr17:17,793,135, G>A. VCF-style: chr17-17793135-G-A. GRCh37 (hg19) VCF-style: chr17-17696449-G-A.
Other names: short protein forms A63T.
Identifiers: ClinVar variation 1175646 (VCV001175646.18), dbSNP rs758424396, ClinGen allele CA8418068.

ClinVar aggregate classification (germline): Benign/Likely benign. Review status: criteria provided, multiple submitters, no conflicts (2 of 4 stars). 5 submissions from 5 submitters: Benign (1); Likely benign (3). 1 of the submissions does not count toward it. Last evaluated 2025-12-15.

Conditions:
RAI1-related disorder. Also called: RAI1-related condition.
Inborn genetic diseases. Identifiers: MedGen C0950123, MeSH D030342.

Allele frequency attached by ClinVar (database versions not stated): gnomAD 0.00003 and 0.00004; gnomAD exomes 0.00004 and 0.00014; TOPMed 0.00006; ExAC 0.00010.
gnomAD v4.1: 63 of 1,613,708 alleles (0.0039%); highest among the groups gnomAD compares: Admixed American, 0.058%; no homozygotes.

Submissions (5):

Labcorp Genetics (formerly Invitae), Labcorp
Classification: Likely benign. Last evaluated: 2025-12-15. Review status: criteria provided, single submitter. Criteria: Invitae Variant Classification Sherloc (09022015). Collection method: clinical testing. Allele origin: germline.

Ambry Genetics
Classification: Likely benign for Inborn genetic diseases. Last evaluated: 2021-09-20. Review status: criteria provided, single submitter. Criteria: Ambry Variant Classification Scheme 2023. Collection method: clinical testing. Allele origin: germline.

Genetic Services Laboratory, University of Chicago
Classification: Likely benign. Last evaluated: 2021-07-26. Review status: criteria provided, single submitter. Criteria: ACMG Guidelines, 2015. Collection method: clinical testing. Allele origin: germline. Affected: no.

GeneDx
Classification: Benign. Last evaluated: 2020-07-06. Review status: criteria provided, single submitter. Criteria: GeneDx Variant Classification Process June 2021. Collection method: clinical testing. Allele origin: germline. Affected: yes.

PreventionGenetics, part of Exact Sciences
Classification: Likely benign for RAI1-related condition. Last evaluated: 2019-11-21. Review status: no assertion criteria provided. Collection method: clinical testing. Allele origin: germline. Not counted in ClinVar's aggregate classification.
Comment: This variant is classified as likely benign based on ACMG/AMP sequence variant interpretation guidelines (Richards et al. 2015 PMID: 25741868, with internal and published modifications).